The following is an entry in ClinVar:

NM_000540.3(RYR1):c.11591-1G>C

Gene: RYR1 (ryanodine receptor 1; plus strand). Cytogenetic location: 19q13.2.
Variant type: single nucleotide variant.
Coding change: c.11591-1G>C on transcript NM_000540.3 (MANE Select); the canonical splice acceptor site of the intron before coding-DNA position 11591, G replaced by C.
Molecular consequence: splice acceptor variant.
Genome position (GRCh38, 1-based): chr19:38,536,749, G>C. VCF-style: chr19-38536749-G-C. GRCh37 (hg19) VCF-style: chr19-39027389-G-C.
Other names: c.11576-1G>C (NM_001042723.2).
Identifiers: ClinVar variation 4756657 (VCV004756657.1).

ClinVar aggregate classification (germline): Uncertain significance (1 of 4 stars; one submission).

Conditions:
Malignant hyperthermia, susceptibility to, 1 (MHS1). Also called: RYR1-Related Malignant Hyperthermia Susceptibility; Malignant hyperthermia suceptibility 1; Anesthesia related hyperthermia; Malignant hyperpyrexia; Fulminating hyperpyrexia; Pharmacogenic myopathy. Identifiers: Orphanet 423, MedGen C2930980, MONDO:0007783, OMIM 145600.

Submission:

Color Diagnostics, LLC DBA Color Health
Classification: Uncertain significance for Malignant hyperthermia, susceptibility to, 1. Last evaluated: 2025-06-03. Review status: criteria provided, single submitter. Criteria: ACMG Guidelines, 2015. Collection method: clinical testing. Allele origin: germline.
Comment: This variant results in a G to C nucleotide substitution at -1 position in intron 82 of the RYR1 gene. To our knowledge, functional studies have not been reported for this variant. This variant has not been reported in individuals affected with RYR1-related disorders in the literature. This variant has not been identified in the general population by the Genome Aggregation Database (gnomAD). The available evidence is insufficient to determine the role of this variant in disease conclusively. Therefore, this variant is classified as a Variant of Uncertain Significance.